The following is an entry in ClinVar:

ClinVar aggregate classification (germline): Uncertain significance. Review status: criteria provided, multiple submitters, no conflicts (2 of 4 stars). 2 submissions from 2 submitters: Uncertain significance (2). Last evaluated 2023-09-11.

Conditions:
Myofibrillar myopathy 5. Also called: Filaminopathy (type); FILAMINOPATHY, AUTOSOMAL DOMINANT. Identifiers: Orphanet 171445, MedGen C1836050, MONDO:0012289, OMIM 609524.
Hypertrophic cardiomyopathy 26. Also called: Cardiomyopathy, familial hypertrophic, 26. Identifiers: Orphanet 75249, MedGen C4310749, MONDO:0014883, OMIM 617047.
Distal myopathy with posterior leg and anterior hand involvement. Also called: WILLIAMS DISTAL MYOPATHY. Identifiers: Orphanet 63273, MedGen C3279722, MONDO:0013550, OMIM 614065.

Allele frequency attached by ClinVar (database versions not stated): gnomAD exomes below 0.00001.
gnomAD v4.1: 1 of 1,612,850 alleles (0.000062%); highest among the groups gnomAD compares: Non-Finnish European, 0.000085%; no homozygotes.

Submissions (2):

Baylor Genetics
Classification: Uncertain significance for Myofibrillar myopathy 5. Last evaluated: 2023-09-11. Review status: criteria provided, single submitter. Criteria: ACMG Guidelines, 2015. Collection method: clinical testing. Allele origin: unknown.

Labcorp Genetics (formerly Invitae), Labcorp
Classification: Uncertain significance for Distal myopathy with posterior leg and anterior hand involvement; Myofibrillar myopathy 5; Hypertrophic cardiomyopathy 26. Last evaluated: 2023-05-22. Review status: criteria provided, single submitter. Criteria: Invitae Variant Classification Sherloc (09022015). Collection method: clinical testing. Allele origin: germline.
Comment: This variant has not been reported in the literature in individuals affected with FLNC-related conditions. ClinVar contains an entry for this variant (Variation ID: 2158004). An algorithm developed to predict the effect of missense changes on protein structure and function (PolyPhen-2) suggests that this variant is likely to be tolerated. In summary, the available evidence is currently insufficient to determine the role of this variant in disease. Therefore, it has been classified as a Variant of Uncertain Significance. This sequence change replaces glutamic acid, which is acidic and polar, with lysine, which is basic and polar, at codon 17 of the FLNC protein (p.Glu17Lys). This variant is not present in population databases (gnomAD no frequency).

NM_001458.5(FLNC):c.49G>A (p.Glu17Lys)

Gene: FLNC (filamin C; plus strand). Cytogenetic location: 7q32.1.
Variant type: single nucleotide variant.
Coding change: c.49G>A on transcript NM_001458.5 (MANE Select); coding-DNA position 49, G replaced by A.
Protein change: p.Glu17Lys; replaces glutamic acid 17 with lysine.
Molecular consequence: missense variant.
Genome position (GRCh38, 1-based): chr7:128,830,686, G>A. VCF-style: chr7-128830686-G-A. GRCh37 (hg19) VCF-style: chr7-128470740-G-A.
Other names: c.49G>A, p.Glu17Lys (NM_001127487.2); short protein forms E17K.
Identifiers: ClinVar variation 2158004 (VCV002158004.5), dbSNP rs1807849793, ClinGen allele CA369215505.